The following is an entry in ClinVar:

ClinVar aggregate classification (germline): Uncertain significance (1 of 4 stars; one submission).

Conditions:
Generalized epilepsy-paroxysmal dyskinesia syndrome (PNKD3). Also called: Generalized epilepsy and paroxysmal dyskinesia; Paroxysmal nonkinesigenic dyskinesia, 3, with or without generalized epilepsy. Identifiers: Orphanet 79137, MedGen C5574945, MONDO:0012276, OMIM 609446.

Allele frequency attached by ClinVar (database versions not stated): gnomAD exomes below 0.00001.
gnomAD v4.1: 1 of 1,613,112 alleles (0.000062%); highest among the groups gnomAD compares: Non-Finnish European, 0.000085%; no homozygotes.

Submission:

Labcorp Genetics (formerly Invitae), Labcorp
Classification: Uncertain significance for Generalized epilepsy-paroxysmal dyskinesia syndrome. Last evaluated: 2022-11-04. Review status: criteria provided, single submitter. Criteria: Invitae Variant Classification Sherloc (09022015). Collection method: clinical testing. Allele origin: germline.
Comment: This variant has not been reported in the literature in individuals affected with KCNMA1-related conditions. This sequence change replaces alanine, which is neutral and non-polar, with valine, which is neutral and non-polar, at codon 403 of the KCNMA1 protein (p.Ala403Val). This variant is not present in population databases (gnomAD no frequency). Advanced modeling of protein sequence and biophysical properties (such as structural, functional, and spatial information, amino acid conservation, physicochemical variation, residue mobility, and thermodynamic stability) performed at Invitae indicates that this missense variant is not expected to disrupt KCNMA1 protein function. Algorithms developed to predict the effect of sequence changes on RNA splicing suggest that this variant may disrupt the consensus splice site. In summary, the available evidence is currently insufficient to determine the role of this variant in disease. Therefore, it has been classified as a Variant of Uncertain Significance.

NM_001161352.2(KCNMA1):c.1208C>T (p.Ala403Val)

Gene: KCNMA1 (potassium calcium-activated channel subfamily M alpha 1; minus strand). Cytogenetic location: 10q22.3.
Variant type: single nucleotide variant.
Coding change: c.1208C>T on transcript NM_001161352.2 (MANE Select); coding-DNA position 1208, C replaced by T.
Protein change: p.Ala403Val; replaces alanine 403 with valine.
Molecular consequence: missense variant.
Genome position (GRCh38, 1-based): chr10:77,108,496, G>A on the plus strand (C>T on the coding strand, the complement: KCNMA1 is on the minus strand). VCF-style: chr10-77108496-G-A. GRCh37 (hg19) VCF-style: chr10-78868254-G-A.
Other names: c.1208C>T, p.Ala403Val (NM_001014797.3, NM_001161353.2, NM_001271519.2 and 8 more transcripts); c.1046C>T, p.Ala349Val (NM_001271518.2); c.668C>T, p.Ala223Val (NM_001322838.2); short protein forms A403V, A223V, A349V.
Identifiers: ClinVar variation 2874936 (VCV002874936.3), dbSNP rs2551110059, ClinGen allele CA377408591.
Genomic context (GRCh38, chr10:77,108,496, plus strand): 5'-GGATTCTACCGCAGCAGAGGCAGCAAAACCTCTTGGCATACTTACTTTCTTCCACTAACC[G>A]CACTATAGGAGCCCCCGTATTTCTTGCGGTTTCCTATTAACTCTATGATTTCAGGGACGT-3'
Protein context (NP_001154824.1, residues 393-413): NRKKYGGSYS[Ala403Val]VSGRKHIVVC